The following is an entry in ClinVar:

NM_001903.5(CTNNA1):c.353C>T (p.Ser118Phe)

Gene: CTNNA1 (catenin alpha 1; plus strand). Cytogenetic location: 5q31.2.
Variant type: single nucleotide variant.
Coding change: c.353C>T on transcript NM_001903.5 (MANE Select); coding-DNA position 353, C replaced by T.
Protein change: p.Ser118Phe; replaces serine 118 with phenylalanine.
Molecular consequence: missense variant. On other transcripts: intron variant (1).
Genome position (GRCh38, 1-based): chr5:138,810,089, C>T. VCF-style: chr5-138810089-C-T. GRCh37 (hg19) VCF-style: chr5-138145778-C-T.
Other names: c.353C>T, p.Ser118Phe (NM_001290307.3, NM_001323982.2, NM_001323983.1 and 3 more transcripts); c.44C>T, p.Ser15Phe (NM_001290309.3); c.-5-12C>T (NM_001290310.3); short protein forms S118F, S15F.
Identifiers: ClinVar variation 2087461 (VCV002087461.4), dbSNP rs2532329911, ClinGen allele CA361122974.

ClinVar aggregate classification (germline): Uncertain significance (1 of 4 stars; one submission).

Allele frequency attached by ClinVar (database versions not stated): gnomAD exomes below 0.00001.
gnomAD v4.1: 1 of 1,614,176 alleles (0.000062%); no homozygotes.

Submission:

Labcorp Genetics (formerly Invitae), Labcorp
Classification: Uncertain significance. Last evaluated: 2022-01-18. Review status: criteria provided, single submitter. Criteria: Invitae Variant Classification Sherloc (09022015). Collection method: clinical testing. Allele origin: germline.
Comment: In summary, the available evidence is currently insufficient to determine the role of this variant in disease. Therefore, it has been classified as a Variant of Uncertain Significance. Algorithms developed to predict the effect of missense changes on protein structure and function are either unavailable or do not agree on the potential impact of this missense change (SIFT: "Deleterious"; PolyPhen-2: "Possibly Damaging"; Align-GVGD: "Class C15"). This variant has not been reported in the literature in individuals affected with CTNNA1-related conditions. This variant is not present in population databases (gnomAD no frequency). This sequence change replaces serine, which is neutral and polar, with phenylalanine, which is neutral and non-polar, at codon 118 of the CTNNA1 protein (p.Ser118Phe).